The following is an entry in ClinVar:

NM_001291746.2(REL):c.1082C>G (p.Pro361Arg)

Gene: REL (REL proto-oncogene, NF-kB subunit; plus strand). Cytogenetic location: 2p16.1.
Variant type: single nucleotide variant.
Coding change: c.1082C>G on transcript NM_001291746.2 (MANE Select); coding-DNA position 1082, C replaced by G.
Protein change: p.Pro361Arg; replaces proline 361 with arginine.
Molecular consequence: missense variant.
Genome position (GRCh38, 1-based): chr2:60,921,853, C>G. VCF-style: chr2-60921853-C-G. GRCh37 (hg19) VCF-style: chr2-61148988-C-G.
Other names: c.1178C>G, p.Pro393Arg (NM_002908.4); short protein forms P361R, P393R.
Identifiers: ClinVar variation 790504 (VCV000790504.11), dbSNP rs34661029, ClinGen allele CA1672430.

ClinVar aggregate classification (germline): Benign/Likely benign. Review status: criteria provided, multiple submitters, no conflicts (2 of 4 stars). 3 submissions from 3 submitters: Benign (2); Likely benign (1). Last evaluated 2026-02-12.

Allele frequency attached by ClinVar (database versions not stated): 1000 Genomes Project 0.00679; ESP Exome Variant Server 0.00723; 1000 Genomes Project 30x 0.00734; gnomAD exomes 0.00051 and 0.00147; ExAC 0.00180; gnomAD 0.00572 and 0.00600; TOPMed 0.00648.
gnomAD v4.1: 1,647 of 1,614,094 alleles (0.1%); highest among the groups gnomAD compares: African/African-American, 1.9%; 12 homozygotes.

Submissions (3):

Women's Health and Genetics/Laboratory Corporation of America, LabCorp
Classification: Likely benign. Last evaluated: 2026-02-12. Review status: criteria provided, single submitter. Criteria: LabCorp Variant Classification Summary - May 2015. Collection method: clinical testing. Allele origin: germline.
Comment: Variant summary: REL c.1178C>G (p.Pro393Arg) results in a non-conservative amino acid change in the encoded protein sequence. Algorithms developed to predict the effect of missense changes on protein structure and function are either unavailable or do not agree on the potential impact of this missense change. The variant allele was found at a frequency of 0.0015 in 251294 control chromosomes, predominantly at a frequency of 0.02 within the African or African-American subpopulation in the gnomAD database, including 4 homozygotes. The observed variant frequency within African or African-American control individuals in the gnomAD database exceeds the estimated maximal expected allele frequency for disease-causing variants in REL. To our knowledge, no occurrence of c.1178C>G in individuals affected with REL-related conditions and no experimental evidence demonstrating its impact on protein function have been reported. ClinVar contains an entry for this variant (Variation ID: 790504). Based on the evidence outlined above, the variant was classified as likely benign.

Labcorp Genetics (formerly Invitae), Labcorp
Classification: Benign. Last evaluated: 2026-01-25. Review status: criteria provided, single submitter. Criteria: Invitae Variant Classification Sherloc (09022015). Collection method: clinical testing. Allele origin: germline.

Breakthrough Genomics
Classification: Benign. Review status: criteria provided, single submitter. Criteria: ACMG Guidelines, 2015. Collection method: not provided. Allele origin: germline. Inheritance: Autosomal recessive inheritance. Affected: yes.